The following is an entry in ClinVar:

NM_005263.5(GFI1):c.439C>T (p.Arg147Cys)

Gene: GFI1 (growth factor independent 1 transcriptional repressor; minus strand). Cytogenetic location: 1p22.1.
Variant type: single nucleotide variant.
Coding change: c.439C>T on transcript NM_005263.5 (MANE Select); coding-DNA position 439, C replaced by T.
Protein change: p.Arg147Cys; replaces arginine 147 with cysteine.
Molecular consequence: missense variant.
Genome position (GRCh38, 1-based): chr1:92,480,948, G>A on the plus strand (C>T on the coding strand, the complement: GFI1 is on the minus strand). VCF-style: chr1-92480948-G-A. GRCh37 (hg19) VCF-style: chr1-92946505-G-A.
Other names: c.439C>T, p.Arg147Cys (NM_001127215.3, NM_001127216.3); short protein forms R147C.
Identifiers: ClinVar variation 4858054 (VCV004858054.1).

ClinVar aggregate classification (germline): Uncertain significance (1 of 4 stars; one submission).

Submission:

Ambry Genetics
Classification: Uncertain significance. Last evaluated: 2026-05-04. Review status: criteria provided, single submitter. Criteria: Ambry Variant Classification Scheme 2023. Collection method: clinical testing. Allele origin: germline.
Comment: The p.R147C variant (also known as c.439C>T), located in coding exon 3 of the GFI1 gene, results from a C to T substitution at nucleotide position 439. The arginine at codon 147 is replaced by cysteine, an amino acid with highly dissimilar properties. This amino acid position is conserved. In addition, this alteration is predicted to be tolerated by in silico analysis. Based on the available evidence, the clinical significance of this variant remains unclear.